The following is an entry in ClinVar:

NM_001613.4(ACTA2):c.1026G>A (p.Trp342Ter)

Genes: ACTA2 (actin alpha 2, smooth muscle; minus strand), ACTA2-AS1 (ACTA2 antisense RNA 1; plus strand). Cytogenetic location: 10q23.31.
Variant type: single nucleotide variant.
Coding change: c.1026G>A on transcript NM_001613.4 (MANE Select); coding-DNA position 1026, G replaced by A.
Protein change: p.Trp342Ter; replaces tryptophan 342 with a stop codon.
Molecular consequence: nonsense. On other transcripts: non-coding transcript variant (1).
Genome position (GRCh38, 1-based): chr10:88,935,331, C>T on the plus strand (G>A on the coding strand, the complement: ACTA2 is on the minus strand). VCF-style: chr10-88935331-C-T. GRCh37 (hg19) VCF-style: chr10-90695088-C-T.
Other names: p.W342X:TGG>TGA; c.1026G>A, p.Trp342Ter (NM_001141945.3, NM_001320855.2, NM_001406462.1 and 2 more transcripts); c.915G>A, p.Trp305Ter (NM_001406466.1); c.897G>A, p.Trp299Ter (NM_001406467.1, NM_001406468.1, NM_001406469.1); c.834G>A, p.Trp278Ter (NM_001406471.1); short protein forms W342*, W278*, W305*, W299*.
Identifiers: ClinVar variation 199679 (VCV000199679.6), dbSNP rs794728032, ClinGen allele CA006801.

ClinVar aggregate classification (germline): Uncertain significance. Review status: criteria provided, multiple submitters, no conflicts (2 of 4 stars). 2 submissions from 2 submitters: Uncertain significance (2). Last evaluated 2025-12-15.

Conditions:
Aortic aneurysm, familial thoracic 6 (AAT6). Also called: FAMILIAL THORACIC AORTIC ANEURYSM WITH LIVEDO RETICULARIS AND IRIS FLOCCULI. Identifiers: MedGen C2673186, MONDO:0012730, OMIM 611788.

Submissions (2):

Labcorp Genetics (formerly Invitae), Labcorp
Classification: Uncertain significance for Aortic aneurysm, familial thoracic 6. Last evaluated: 2025-12-15. Review status: criteria provided, single submitter. Criteria: Invitae Variant Classification Sherloc (09022015). Collection method: clinical testing. Allele origin: germline.
Comment: This sequence change creates a premature translational stop signal (p.Trp342*) in the ACTA2 gene. While this is not anticipated to result in nonsense mediated decay, it is expected to disrupt the last 36 amino acid(s) of the ACTA2 protein. This variant is not present in population databases (gnomAD no frequency). This variant has not been reported in the literature in individuals affected with ACTA2-related conditions. ClinVar contains an entry for this variant (Variation ID: 199679). Experimental studies and prediction algorithms are not available or were not evaluated, and the functional significance of this variant is currently unknown. In summary, the available evidence is currently insufficient to determine the role of this variant in disease. Therefore, it has been classified as a Variant of Uncertain Significance.

GeneDx
Classification: Uncertain significance. Last evaluated: 2013-11-06. Review status: criteria provided, single submitter. Criteria: GeneDx Variant Classification (06012015). Collection method: clinical testing. Allele origin: germline. Affected: yes.
Comment: p.Trp342Stop (TGG>TGA): c.1026 G>A in exon 9 of the ACTA2 gene (NM_001613.2) The Trp342Stop variant in theACTA2 gene has not been reported as a disease-causing mutation or as a benign polymorphism to our knowledge. Trp342Stop is predicted to cause loss of normal protein function by protein truncation. Reported mutations in the ACTA2 gene are mainly missense changes, with only one nonsense mutation reported in association with TAAD. With the clinical and molecular information available at this time, we cannot definitively determine if Trp342Stop is a disease-causing mutation or a rare benign variant. The variant is found in TAAD panel(s).